The following is an entry in ClinVar:

NM_003327.4(TNFRSF4):c.391G>A (p.Gly131Arg)

Gene: TNFRSF4 (TNF receptor superfamily member 4; minus strand). Cytogenetic location: 1p36.33.
Variant type: single nucleotide variant.
Coding change: c.391G>A on transcript NM_003327.4 (MANE Select); coding-DNA position 391, G replaced by A.
Protein change: p.Gly131Arg; replaces glycine 131 with arginine.
Molecular consequence: missense variant.
Genome position (GRCh38, 1-based): chr1:1,212,684, C>T on the plus strand (G>A on the coding strand, the complement: TNFRSF4 is on the minus strand). VCF-style: chr1-1212684-C-T. GRCh37 (hg19) VCF-style: chr1-1148064-C-T.
Other names: c.391G>A, p.Gly131Arg (NM_001410709.1); short protein forms G131R.
Identifiers: ClinVar variation 4777146 (VCV004777146.1).

ClinVar aggregate classification (germline): Uncertain significance (1 of 4 stars; one submission).

Conditions:
Combined immunodeficiency due to OX40 deficiency. Also called: OX40 DEFICIENCY; Immunodeficiency 16. Identifiers: Orphanet 431149, MedGen C3810053, MONDO:0014268, OMIM 615593.

gnomAD v4.1: 1 of 1,572,698 alleles (0.000064%); highest among the groups gnomAD compares: Admixed American, 0.0018%; no homozygotes.

Submission:

Labcorp Genetics (formerly Invitae), Labcorp
Classification: Uncertain significance for Combined immunodeficiency due to OX40 deficiency. Last evaluated: 2025-04-11. Review status: criteria provided, single submitter. Criteria: Invitae Variant Classification Sherloc (09022015). Collection method: clinical testing. Allele origin: germline.
Comment: This sequence change replaces glycine, which is neutral and non-polar, with arginine, which is basic and polar, at codon 131 of the TNFRSF4 protein (p.Gly131Arg). The frequency data for this variant in the population databases is considered unreliable, as metrics indicate poor data quality at this position in the gnomAD database. This variant has not been reported in the literature in individuals affected with TNFRSF4-related conditions. Invitae Evidence Modeling of protein sequence and biophysical properties (such as structural, functional, and spatial information, amino acid conservation, physicochemical variation, residue mobility, and thermodynamic stability) indicates that this missense variant is not expected to disrupt TNFRSF4 protein function with a negative predictive value of 80%. In summary, the available evidence is currently insufficient to determine the role of this variant in disease. Therefore, it has been classified as a Variant of Uncertain Significance.